The following is an entry in ClinVar:

NM_030665.4(RAI1):c.1375G>A (p.Val459Met)

Gene: RAI1 (retinoic acid induced 1; plus strand). Cytogenetic location: 17p11.2.
Variant type: single nucleotide variant.
Coding change: c.1375G>A on transcript NM_030665.4 (MANE Select); coding-DNA position 1375, G replaced by A.
Protein change: p.Val459Met; replaces valine 459 with methionine.
Molecular consequence: missense variant.
Genome position (GRCh38, 1-based): chr17:17,794,323, G>A. VCF-style: chr17-17794323-G-A. GRCh37 (hg19) VCF-style: chr17-17697637-G-A.
Other names: short protein forms V459M.
Identifiers: ClinVar variation 1964823 (VCV001964823.5), dbSNP rs778095950, ClinGen allele CA398547686.

ClinVar aggregate classification (germline): Uncertain significance (1 of 4 stars; one submission).

Allele frequency attached by ClinVar (database versions not stated): gnomAD 0.00001.
gnomAD v4.1: 3 of 1,613,008 alleles (0.00019%); highest among the groups gnomAD compares: Non-Finnish European, 0.00025%; no homozygotes.

Submission:

Labcorp Genetics (formerly Invitae), Labcorp
Classification: Uncertain significance. Last evaluated: 2024-09-14. Review status: criteria provided, single submitter. Criteria: Invitae Variant Classification Sherloc (09022015). Collection method: clinical testing. Allele origin: germline.
Comment: This sequence change replaces valine, which is neutral and non-polar, with methionine, which is neutral and non-polar, at codon 459 of the RAI1 protein (p.Val459Met). This variant is present in population databases (no rsID available, gnomAD 0.002%). This variant has not been reported in the literature in individuals affected with RAI1-related conditions. ClinVar contains an entry for this variant (Variation ID: 1964823). Invitae Evidence Modeling of protein sequence and biophysical properties (such as structural, functional, and spatial information, amino acid conservation, physicochemical variation, residue mobility, and thermodynamic stability) indicates that this missense variant is not expected to disrupt RAI1 protein function with a negative predictive value of 80%. In summary, the available evidence is currently insufficient to determine the role of this variant in disease. Therefore, it has been classified as a Variant of Uncertain Significance.